The following is an entry in ClinVar:

NM_004006.3(DMD):c.11046+1G>A

Gene: DMD (dystrophin; minus strand). Cytogenetic location: Xp21.2.
Variant type: single nucleotide variant.
Coding change: c.11046+1G>A on transcript NM_004006.3 (MANE Select); the canonical splice donor site of the intron after coding-DNA position 11046, G replaced by A.
Molecular consequence: splice donor variant. On other transcripts: intron variant (5).
Genome position (GRCh38, 1-based): chrX:31,126,641, C>T on the plus strand (G>A on the coding strand, the complement: DMD is on the minus strand). VCF-style: chrX-31126641-C-T. GRCh37 (hg19) VCF-style: chrX-31144758-C-T.
Other names: c.11022+1G>A (NM_000109.4); c.7023+1G>A (NM_004011.4); c.7014+1G>A (NM_004012.4); c.3305-4711G>A (NM_004023.3); c.3336+1G>A (NM_004020.4); c.3596-4711G>A (NM_004022.3); c.3635-4711G>A (NM_004021.3); c.3666+1G>A (NM_004013.3); and 7 more.
Identifiers: ClinVar variation 3251612 (VCV003251612.1), dbSNP rs2519115493.

ClinVar aggregate classification (germline): Uncertain significance (1 of 4 stars; one submission).

Submission:

Women's Health and Genetics/Laboratory Corporation of America, LabCorp
Classification: Uncertain significance. Last evaluated: 2024-04-01. Review status: criteria provided, single submitter. Criteria: LabCorp Variant Classification Summary - May 2015. Collection method: clinical testing. Allele origin: germline.
Comment: Variant summary: DMD c.11046+1G>A is located in a canonical splice-site within the last intron of the gene and is predicted to affect mRNA splicing resulting in a significantly altered protein due to either exon skipping, shortening, or inclusion of intronic material. However, it is not expected to undergo nonsense-mediated decay and to our knowledge, no pathogenic variants have been identified affecting the same donor site or within the last exon of the gene. Several computational tools predict a significant impact on normal splicing: Three predict the variant abolishes a 5' splicing donor site. However, these predictions have yet to be confirmed by functional studies. The variant was absent in 182338 control chromosomes (gnomAD). The available data on variant occurrences in the general population are insufficient to allow any conclusion about variant significance. To our knowledge, no occurrence of c.11046+1G>A in individuals affected with Dystrophinopathies and no experimental evidence demonstrating its impact on protein function have been reported. No submitters have cited clinical-significance assessments for this variant to ClinVar. Based on the evidence outlined above, the variant was classified as uncertain significance.